The following is an entry in ClinVar:

NM_001354604.2(MITF):c.1358G>A (p.Gly453Asp)

Gene: MITF (melanocyte inducing transcription factor; plus strand). Cytogenetic location: 3p13.
Variant type: single nucleotide variant.
Coding change: c.1358G>A on transcript NM_001354604.2 (MANE Select); coding-DNA position 1358, G replaced by A.
Protein change: p.Gly453Asp; replaces glycine 453 with aspartic acid.
Molecular consequence: missense variant.
Genome position (GRCh38, 1-based): chr3:69,965,025, G>A. VCF-style: chr3-69965025-G-A. GRCh37 (hg19) VCF-style: chr3-70014176-G-A.
Other names: c.1037G>A, p.Gly346Asp (NM_000248.4); c.1184G>A, p.Gly395Asp (NM_001184967.2, NM_001354608.2); c.1355G>A, p.Gly452Asp (NM_001354605.2); c.1337G>A, p.Gly446Asp (NM_001354606.2, NM_006722.3); c.1289G>A, p.Gly430Asp (NM_001354607.2); c.1019G>A, p.Gly340Asp (NM_198158.3); c.1340G>A, p.Gly447Asp (NM_198159.3); c.1292G>A, p.Gly431Asp (NM_198177.3); and 1 more; short protein forms G284D, G340D, G346D, G395D, G430D, G431D, G446D, G447D.
Identifiers: ClinVar variation 3754884 (VCV003754884.2).
Genomic context (GRCh38, chr3:69,965,025, plus strand): 5'-AAGACCTCCTTCAGCATCATGCAGACCTAACCTGTACAACAACTCTCGATCTCACGGATG[G>A]CACCATCACCTTCAACAACAACCTCGGAACTGGGACTGAGGCCAACCAAGCCTATAGTGT-3'
Protein context (NP_001341533.1, residues 443-463): TCTTTLDLTD[Gly453Asp]TITFNNNLGT

ClinVar aggregate classification (germline): Uncertain significance (1 of 4 stars; one submission).

Conditions:
Waardenburg syndrome type 2A (WS2A). Also called: WAARDENBURG SYNDROME WITHOUT DYSTOPIA CANTHORUM. Identifiers: Orphanet 3440, MedGen C1860339, MONDO:0008671, OMIM 193510.
Tietz syndrome (TADS). Also called: ALBINISM-DEAFNESS OF TIETZ; HYPOPIGMENTATION/DEAFNESS OF TIETZ; TIETZ ALBINISM-DEAFNESS SYNDROME. Identifiers: Orphanet 42665, MedGen C0391816, MONDO:0007077, OMIM 103500.
Melanoma, cutaneous malignant, susceptibility to, 8. Also called: MELANOMA AND RENAL CELL CARCINOMA, SUSCEPTIBILITY TO; Cutaneous malignant melanoma 8. Identifiers: Orphanet 293822, MedGen C3152204, MONDO:0013759, OMIM 614456.

gnomAD v4.1: 2 of 1,614,080 alleles (0.00012%); highest among the groups gnomAD compares: Non-Finnish European, 0.000085%; no homozygotes.

Submission:

Labcorp Genetics (formerly Invitae), Labcorp
Classification: Uncertain significance for Melanoma, cutaneous malignant, susceptibility to, 8; Waardenburg syndrome type 2A; Tietz syndrome. Last evaluated: 2024-10-09. Review status: criteria provided, single submitter. Criteria: Invitae Variant Classification Sherloc (09022015). Collection method: clinical testing. Allele origin: germline.
Comment: This sequence change replaces glycine, which is neutral and non-polar, with aspartic acid, which is acidic and polar, at codon 346 of the MITF protein (p.Gly346Asp). This variant is not present in population databases (gnomAD no frequency). This variant has not been reported in the literature in individuals affected with MITF-related conditions. Invitae Evidence Modeling of protein sequence and biophysical properties (such as structural, functional, and spatial information, amino acid conservation, physicochemical variation, residue mobility, and thermodynamic stability) indicates that this missense variant is not expected to disrupt MITF protein function with a negative predictive value of 80%. In summary, the available evidence is currently insufficient to determine the role of this variant in disease. Therefore, it has been classified as a Variant of Uncertain Significance.